The following is an entry in ClinVar:

NM_032638.5(GATA2):c.345dup (p.Trp116fs)

Gene: GATA2 (GATA binding protein 2; minus strand). Cytogenetic location: 3q21.3.
Variant type: Duplication.
Coding change: c.345dup on transcript NM_032638.5 (MANE Select); coding-DNA position 345, one base duplicated (C; older notation c.345dupC).
Protein change: p.Trp116fs; shifts the reading frame from tryptophan 116.
Molecular consequence: frameshift variant.
Genome position (GRCh38, 1-based): chr3:128,486,253, G duplicated on the plus strand (C on the coding strand, the reverse complement: GATA2 is on the minus strand); the first of 4 consecutive G bases (chr3:128,486,253-128,486,256); duplicating any one gives the same sequence. VCF-style (leftmost placement, unchanged base first): chr3-128486252-A-AG. GRCh37 (hg19) VCF-style: chr3-128205095-A-AG.
Other names: c.345dupC (NM_032638.4); c.345dup, p.Trp116fs (NM_001145661.2, NM_001145662.1); short protein forms W116fs.
Identifiers: ClinVar variation 504117 (VCV000504117.2), dbSNP rs1553771050, ClinGen allele CA658796375.

ClinVar aggregate classification (germline): Pathogenic (1 of 4 stars; one submission).

Submission:

GeneDx
Classification: Pathogenic. Last evaluated: 2018-01-11. Review status: criteria provided, single submitter. Criteria: GeneDx Variant Classification (06012015). Collection method: clinical testing. Allele origin: germline. Affected: yes.
Comment: The c.345dupC variant in the GATA2 gene has not been reported previously as a pathogenic variant nor as a benign variant, to our knowledge. This variant causes a frameshift starting with codon Tryptophan 116, changes this amino acid to a Leucine residue, and creates a premature Stop codon at position 69 of the new reading frame, denoted p.Trp116LeufsX69. The c.345dupC variant is predicted to cause loss of normal protein function either through protein truncation or nonsense-mediated mRNA decay. This variant is not observed in large population cohorts (Lek et al., 2016). We interpret c.345dupC as a pathogenic variant.